The following is an entry in ClinVar:

NM_000492.4(CFTR):c.744-2A>G

Gene: CFTR (CF transmembrane conductance regulator; plus strand). Cytogenetic location: 7q31.2.
Variant type: single nucleotide variant.
Coding change: c.744-2A>G on transcript NM_000492.4 (MANE Select); the canonical splice acceptor site of the intron before coding-DNA position 744, A replaced by G.
Molecular consequence: splice acceptor variant.
Genome position (GRCh38, 1-based): chr7:117,536,546, A>G. VCF-style: chr7-117536546-A-G. GRCh37 (hg19) VCF-style: chr7-117176600-A-G.
Other names: 876-2A>G.
Identifiers: ClinVar variation 370635 (VCV000370635.11), dbSNP rs1057516646, ClinGen allele CA16041126.

ClinVar aggregate classification (germline): Pathogenic. Review status: reviewed by expert panel (3 of 4 stars). 5 submissions from 5 submitters: Pathogenic (1). 4 of the submissions do not count toward it. Last evaluated 2021-09-24.

Conditions:
Cystic fibrosis (CF). Also called: MUCOVISCIDOSIS. Identifiers: Orphanet 586, MedGen C0010674, MONDO:0009061, OMIM 219700. Disease mechanism: loss of function.

Submissions (5):

CFTR2
Classification: Pathogenic for Cystic fibrosis. Last evaluated: 2021-09-24. Review status: reviewed by expert panel. Criteria: Submitter's publication and website. Collection method: research. Allele origin: germline. Affected: yes.

Labcorp Genetics (formerly Invitae), Labcorp
Classification: Likely pathogenic for Cystic fibrosis. Last evaluated: 2023-10-06. Review status: criteria provided, single submitter. Criteria: Invitae Variant Classification Sherloc (09022015). Collection method: clinical testing. Allele origin: germline. Not counted in ClinVar's aggregate classification.
Comment: This sequence change affects an acceptor splice site in intron 6 of the CFTR gene. It is expected to disrupt RNA splicing. Variants that disrupt the donor or acceptor splice site typically lead to a loss of protein function (PMID: 16199547), and loss-of-function variants in CFTR are known to be pathogenic (PMID: 1695717, 7691345, 9725922). This variant is not present in population databases (gnomAD no frequency). This variant has not been reported in the literature in individuals affected with CFTR-related conditions. ClinVar contains an entry for this variant (Variation ID: 370635). Algorithms developed to predict the effect of sequence changes on RNA splicing suggest that this variant may disrupt the consensus splice site. In summary, the currently available evidence indicates that the variant is pathogenic, but additional data are needed to prove that conclusively. Therefore, this variant has been classified as Likely Pathogenic.

Women's Health and Genetics/Laboratory Corporation of America, LabCorp
Classification: Likely pathogenic for Cystic fibrosis. Last evaluated: 2023-06-07. Review status: criteria provided, single submitter. Criteria: LabCorp Variant Classification Summary - May 2015. Collection method: clinical testing. Allele origin: germline. Not counted in ClinVar's aggregate classification.
Comment: Variant summary: CFTR c.744-2A>G is located in a canonical splice-site and is predicted to affect mRNA splicing resulting in a significantly altered protein due to either exon skipping, shortening, or inclusion of intronic material. Several computational tools predict a significant impact on normal splicing: two predict the variant abolishes a 3' acceptor site. However, these predictions have yet to be confirmed by functional studies. The variant was absent in 213646 control chromosomes (gnomAD). c.744-2A>G has been reported in the literature in individuals affected with Cystic Fibrosis, including those with pancreatic insufficiency (e.g., McCague_2019, Deletang_2022). These reports suggest the variant may be associated with Cystic Fibrosis. To our knowledge, no experimental evidence demonstrating an impact on protein function has been reported. The following publications have been ascertained in the context of this evaluation (PMID: 35650428, 30888834). Four ClinVar submitters (evaluation after 2014) have cited the variant, and all submitters classified the variant as pathogenic (n = 2) or likely pathogenic (n = 2). Based on the evidence outlined above, the variant was classified as likely pathogenic.

Institute of Human Genetics, University of Leipzig Medical Center
Classification: Pathogenic for Cystic fibrosis. Last evaluated: 2022-09-05. Review status: criteria provided, single submitter. Criteria: ACMG Guidelines, 2015. Collection method: curation. Allele origin: unknown. Affected: yes. Observed: 1 variant allele. Not counted in ClinVar's aggregate classification.
Comment: The variant was classified in the context of a project re-classifying variants in the German Cystic Fibrosis Registry (Muko.e.V.). Criteria applied: PVS1, PM2_SUP, PM3

Counsyl
Classification: Likely pathogenic for Cystic fibrosis. Last evaluated: 2016-03-14. Review status: no assertion criteria provided. Collection method: clinical testing. Allele origin: unknown. Not counted in ClinVar's aggregate classification.

Literature cited by the submitters: PubMed 16199547 (cited by Labcorp Genetics (formerly Invitae), Labcorp); PubMed 1695717 (cited by Labcorp Genetics (formerly Invitae), Labcorp); PubMed 7691345 (cited by Labcorp Genetics (formerly Invitae), Labcorp); PubMed 9725922 (cited by Labcorp Genetics (formerly Invitae), Labcorp); PubMed 30888834 (cited by Women's Health and Genetics/Laboratory Corporation of America, LabCorp); PubMed 35650428 (cited by Women's Health and Genetics/Laboratory Corporation of America, LabCorp).